The following is an entry in ClinVar:

NM_001044385.3(TMEM237):c.79+5G>C

Gene: TMEM237 (transmembrane protein 237; minus strand). Cytogenetic location: 2q33.1.
Variant type: single nucleotide variant.
Coding change: c.79+5G>C on transcript NM_001044385.3 (MANE Select); 5 bases into the intron after coding-DNA position 79, G replaced by C.
Molecular consequence: intron variant.
Genome position (GRCh38, 1-based): chr2:201,640,256, C>G on the plus strand (G>C on the coding strand, the complement: TMEM237 is on the minus strand). VCF-style: chr2-201640256-C-G. GRCh37 (hg19) VCF-style: chr2-202504979-C-G.
Other names: c.55+5G>C (NM_152388.4).
Identifiers: ClinVar variation 2125128 (VCV002125128.4), dbSNP rs1687387467, ClinGen allele CA1041256687.

ClinVar aggregate classification (germline): Uncertain significance (1 of 4 stars; one submission).

Conditions:
Joubert syndrome 14 (JBTS14). Identifiers: MedGen C3280766, MONDO:0013745, OMIM 614424.

Allele frequency attached by ClinVar (database versions not stated): TOPMed below 0.00001; gnomAD 0.00001.
gnomAD v4.1: 1 of 1,552,464 alleles (0.000064%); highest among the groups gnomAD compares: Non-Finnish European, 0.000086%; no homozygotes.

Submission:

Labcorp Genetics (formerly Invitae), Labcorp
Classification: Uncertain significance for Joubert syndrome 14. Last evaluated: 2022-07-25. Review status: criteria provided, single submitter. Criteria: Invitae Variant Classification Sherloc (09022015). Collection method: clinical testing. Allele origin: germline.
Comment: This sequence change falls in intron 3 of the TMEM237 gene. It does not directly change the encoded amino acid sequence of the TMEM237 protein. It affects a nucleotide within the consensus splice site. This variant is not present in population databases (gnomAD no frequency). This variant has not been reported in the literature in individuals affected with TMEM237-related conditions. Variants that disrupt the consensus splice site are a relatively common cause of aberrant splicing (PMID: 17576681, 9536098). Algorithms developed to predict the effect of sequence changes on RNA splicing suggest that this variant may disrupt the consensus splice site. In summary, the available evidence is currently insufficient to determine the role of this variant in disease. Therefore, it has been classified as a Variant of Uncertain Significance.

Literature cited by the submitters: PubMed 17576681; PubMed 9536098.